The following is an entry in ClinVar:

ClinVar aggregate classification (germline): Uncertain significance. Review status: criteria provided, multiple submitters, no conflicts (2 of 4 stars). 4 submissions from 4 submitters: Uncertain significance (4). Last evaluated 2025-04-09.

Conditions:
Cardiovascular phenotype. Identifiers: MedGen CN230736.

Submissions (4):

Molecular Diagnostic Laboratory for Inherited Cardiovascular Disease, Montreal Heart Institute
Classification: Uncertain significance for Cardiovascular phenotype. Last evaluated: 2025-04-09. Review status: criteria provided, single submitter. Criteria: ACMG Guidelines, 2015. Collection method: clinical testing. Allele origin: germline. Affected: yes.
Comment: PM2, PM4

Blueprint Genetics
Classification: Uncertain significance. Last evaluated: 2023-06-01. Review status: criteria provided, single submitter. Criteria: ACMG Guidelines, 2015. Collection method: clinical testing. Allele origin: germline.

Labcorp Genetics (formerly Invitae), Labcorp
Classification: Uncertain significance. Last evaluated: 2022-07-17. Review status: criteria provided, single submitter. Criteria: Invitae Variant Classification Sherloc (09022015). Collection method: clinical testing. Allele origin: germline.
Comment: This variant, c.941_943del, results in the deletion of 1 amino acid(s) of the AARS2 protein (p.Glu314del), but otherwise preserves the integrity of the reading frame. This variant is present in population databases (rs754432667, gnomAD 0.005%). This variant has not been reported in the literature in individuals affected with AARS2-related conditions. Experimental studies and prediction algorithms are not available or were not evaluated, and the functional significance of this variant is currently unknown. In summary, the available evidence is currently insufficient to determine the role of this variant in disease. Therefore, it has been classified as a Variant of Uncertain Significance.

Breakthrough Genomics
Classification: Uncertain significance. Review status: criteria provided, single submitter. Criteria: ACMG Guidelines, 2015. Collection method: not provided. Allele origin: germline. Inheritance: Autosomal recessive inheritance. Affected: yes.

NM_020745.4(AARS2):c.941_943del (p.Glu314del)

Gene: AARS2 (alanyl-tRNA synthetase 2, mitochondrial; minus strand). Cytogenetic location: 6p21.1.
Variant type: Deletion.
Coding change: c.941_943del on transcript NM_020745.4 (MANE Select); coding-DNA positions 941 to 943, 3 bases deleted (AGG; older notation c.941_943delAGG).
Protein change: p.Glu314del; deletes glutamic acid 314.
Molecular consequence: inframe deletion.
Genome position (GRCh38, 1-based): chr6:44,307,346-44,307,348, CCT deleted on the plus strand (AGG on the coding strand, the reverse complement: AARS2 is on the minus strand); deleting any 3 consecutive bases within chr6:44,307,346-44,307,349 gives the same sequence; the c. name uses the placement nearest the transcript's 3' end. VCF-style (leftmost placement, unchanged base first): chr6-44307345-CCCT-C. GRCh37 (hg19) VCF-style: chr6-44275082-CCCT-C.
Other names: c.941_943del (NM_020745.3); short protein forms E314del.
Identifiers: ClinVar variation 2176996 (VCV002176996.4), dbSNP rs754432667, ClinGen allele CA3834505.